The following is an entry in ClinVar:

NM_000350.3(ABCA4):c.3372C>G (p.Asp1124Glu)

Gene: ABCA4 (ATP binding cassette subfamily A member 4; minus strand). Cytogenetic location: 1p22.1.
Variant type: single nucleotide variant.
Coding change: c.3372C>G on transcript NM_000350.3 (MANE Select); coding-DNA position 3372, C replaced by G.
Protein change: p.Asp1124Glu; replaces aspartic acid 1124 with glutamic acid.
Molecular consequence: missense variant.
Genome position (GRCh38, 1-based): chr1:94,041,359, G>C on the plus strand (C>G on the coding strand, the complement: ABCA4 is on the minus strand). VCF-style: chr1-94041359-G-C. GRCh37 (hg19) VCF-style: chr1-94506915-G-C.
Other names: c.3150C>G, p.Asp1050Glu (NM_001425324.1); short protein forms D1124E, D1050E.
Identifiers: ClinVar variation 999300 (VCV000999300.8), dbSNP rs746647738, ClinGen allele CA957949.

ClinVar aggregate classification (germline): Uncertain significance. Review status: criteria provided, multiple submitters, no conflicts (2 of 4 stars). 2 submissions from 2 submitters: Uncertain significance (2). Last evaluated 2023-08-21.

Conditions:
Inborn genetic diseases. Identifiers: MedGen C0950123, MeSH D030342.

Allele frequency attached by ClinVar (database versions not stated): gnomAD exomes 0.00001; ExAC 0.00002.
gnomAD v4.1: 2 of 1,614,184 alleles (0.00012%); highest among the groups gnomAD compares: Admixed American, 0.0033%; no homozygotes.

Submissions (2):

Ambry Genetics
Classification: Uncertain significance for Inborn genetic diseases. Last evaluated: 2023-08-21. Review status: criteria provided, single submitter. Criteria: Ambry Variant Classification Scheme 2023. Collection method: clinical testing. Allele origin: germline.

Labcorp Genetics (formerly Invitae), Labcorp
Classification: Uncertain significance. Last evaluated: 2021-08-30. Review status: criteria provided, single submitter. Criteria: Invitae Variant Classification Sherloc (09022015). Collection method: clinical testing. Allele origin: germline.
Comment: This sequence change replaces aspartic acid with glutamic acid at codon 1124 of the ABCA4 protein (p.Asp1124Glu). The aspartic acid residue is highly conserved and there is a small physicochemical difference between aspartic acid and glutamic acid. This variant is present in population databases (rs746647738, ExAC 0.02%). This variant has not been reported in the literature in individuals affected with ABCA4-related conditions. Algorithms developed to predict the effect of missense changes on protein structure and function are either unavailable or do not agree on the potential impact of this missense change (SIFT: "Deleterious"; PolyPhen-2: "Benign"; Align-GVGD: "Class C35"). In summary, the available evidence is currently insufficient to determine the role of this variant in disease. Therefore, it has been classified as a Variant of Uncertain Significance.